The following is an entry in ClinVar:

NM_001385012.1(NBEA):c.4553A>G (p.Lys1518Arg)

Gene: NBEA (neurobeachin; plus strand). Cytogenetic location: 13q13.3.
Variant type: single nucleotide variant.
Coding change: c.4553A>G on transcript NM_001385012.1 (MANE Select); coding-DNA position 4553, A replaced by G.
Protein change: p.Lys1518Arg; replaces lysine 1518 with arginine.
Molecular consequence: missense variant.
Genome position (GRCh38, 1-based): chr13:35,173,593, A>G. VCF-style: chr13-35173593-A-G. GRCh37 (hg19) VCF-style: chr13-35747730-A-G.
Other names: c.4544A>G, p.Lys1515Arg (NM_001379245.1); c.4553A>G, p.Lys1518Arg (NM_015678.5); short protein forms K1515R, K1518R.
Identifiers: ClinVar variation 4882921 (VCV004882921.2).

ClinVar aggregate classification (germline): Uncertain significance (1 of 4 stars; one submission).

Submission:

Dasa
Classification: Uncertain significance. Last evaluated: 2024-12-06. Review status: criteria provided, single submitter. Criteria: DASA Assertion Criteria. Collection method: clinical testing. Allele origin: germline.
Comment: NM_001385012.1(NBEA):c.4553A>G (p.Lys1518Arg) is a missense variant that results in the substitution of lysine with arginine. This variant is absent from population databases. Computational prediction algorithms are consistent with a benign effect. The currently available literature and clinical evidence are not sufficient to establish a definitive association between this variant and the reported condition. Therefore, this variant is classified as a variant of uncertain significance.